The following is an entry in ClinVar:

NM_003128.3(SPTBN1):c.6376C>T (p.Gln2126Ter)

Gene: SPTBN1 (spectrin beta, non-erythrocytic 1; plus strand). Cytogenetic location: 2p16.2.
Variant type: single nucleotide variant.
Coding change: c.6376C>T on transcript NM_003128.3 (MANE Select); coding-DNA position 6376, C replaced by T.
Protein change: p.Gln2126Ter; replaces glutamine 2126 with a stop codon.
Molecular consequence: nonsense.
Genome position (GRCh38, 1-based): chr2:54,659,955, C>T. VCF-style: chr2-54659955-C-T. GRCh37 (hg19) VCF-style: chr2-54887092-C-T.
Other names: c.6337C>T, p.Gln2113Ter (NM_178313.3); short protein forms Q2113*, Q2126*.
Identifiers: ClinVar variation 4733773 (VCV004733773.1).

ClinVar aggregate classification (germline): Pathogenic (1 of 4 stars; one submission).

Submission:

Labcorp Genetics (formerly Invitae), Labcorp
Classification: Pathogenic. Last evaluated: 2025-12-21. Review status: criteria provided, single submitter. Criteria: Invitae Variant Classification Sherloc (09022015). Collection method: clinical testing. Allele origin: germline.
Comment: This sequence change creates a premature translational stop signal (p.Gln2126*) in the SPTBN1 gene. It is expected to result in an absent or disrupted protein product. Loss-of-function variants in SPTBN1 are known to be pathogenic (PMID: 33847457, 34211179). This variant is not present in population databases (gnomAD no frequency). This variant has not been reported in the literature in individuals affected with SPTBN1-related conditions. For these reasons, this variant has been classified as Pathogenic.

Literature cited by the submitters: PubMed 33847457; PubMed 34211179.